The following is an entry in ClinVar:

NM_015102.5(NPHP4):c.3052G>A (p.Val1018Met)

Gene: NPHP4 (nephrocystin 4; minus strand). Cytogenetic location: 1p36.31.
Variant type: single nucleotide variant.
Coding change: c.3052G>A on transcript NM_015102.5 (MANE Select); coding-DNA position 3052, G replaced by A.
Protein change: p.Val1018Met; replaces valine 1018 with methionine.
Molecular consequence: missense variant. On other transcripts: non-coding transcript variant (1).
Genome position (GRCh38, 1-based): chr1:5,874,650, C>T on the plus strand (G>A on the coding strand, the complement: NPHP4 is on the minus strand). VCF-style: chr1-5874650-C-T. GRCh37 (hg19) VCF-style: chr1-5934710-C-T.
Other names: c.1513G>A, p.Val505Met (NM_001291593.2); c.1516G>A, p.Val506Met (NM_001291594.2); short protein forms V1018M, V505M, V506M.
Identifiers: ClinVar variation 220869 (VCV000220869.14), dbSNP rs201433248, ClinGen allele CA350674.
Genomic context (GRCh38, chr1:5,874,650, plus strand): 5'-CCTCCACCGGTGTGTGCAGGCCAGCAGCACCCTTGAAGTCCCTCCACTCCTGACTGTCCA[C>T]GATGACGCTGGGGGAGGCAGTGTCCAGGCGTCAGGGCAGTTCTTCCCAGGAGGACCCACA-3'
Protein context (NP_055917.1, residues 1008-1028): EIDNPELSVI[Val1018Met]DSQEWRDFKG

ClinVar aggregate classification (germline): Uncertain significance. Review status: criteria provided, multiple submitters, no conflicts (2 of 4 stars). 5 submissions from 4 submitters: Uncertain significance (5). Last evaluated 2024-09-03.

Conditions:
Inborn genetic diseases. Identifiers: MedGen C0950123, MeSH D030342.
Nephronophthisis. Also called: Juvenile Nephronophthisis. Identifiers: Orphanet 655, MedGen C0687120, MONDO:0019005, HP:0000090.
Senior-Loken syndrome 4 (SLSN4). Identifiers: Orphanet 3156, MedGen C1846979, MONDO:0011756, OMIM 606996.
Nephronophthisis 4 (NPHP4). Also called: NEPHRONOPHTHISIS 4, JUVENILE. Identifiers: Orphanet 655, MedGen C1847013, MONDO:0011752, OMIM 606966.

Allele frequency attached by ClinVar (database versions not stated): TOPMed 0.00009; gnomAD 0.00011; gnomAD exomes 0.00011 and 0.00012; ExAC 0.00020; ESP Exome Variant Server 0.00039.
gnomAD v4.1: 191 of 1,611,422 alleles (0.012%); highest among the groups gnomAD compares: East Asian, 0.02%; no homozygotes.

Submissions (5):

Ambry Genetics
Classification: Uncertain significance for Inborn genetic diseases. Last evaluated: 2024-09-03. Review status: criteria provided, single submitter. Criteria: Ambry Variant Classification Scheme 2023. Collection method: clinical testing. Allele origin: germline.

Fulgent Genetics
Classification: Uncertain significance for Nephronophthisis 4; Senior-Loken syndrome 4. Last evaluated: 2024-03-17. Review status: criteria provided, single submitter. Criteria: ACMG Guidelines, 2015. Collection method: clinical testing. Allele origin: germline.

Labcorp Genetics (formerly Invitae), Labcorp
Classification: Uncertain significance for Nephronophthisis. Last evaluated: 2022-10-25. Review status: criteria provided, single submitter. Criteria: Invitae Variant Classification Sherloc (09022015). Collection method: clinical testing. Allele origin: germline.
Comment: This sequence change replaces valine, which is neutral and non-polar, with methionine, which is neutral and non-polar, at codon 1018 of the NPHP4 protein (p.Val1018Met). This variant is present in population databases (rs201433248, gnomAD 0.02%). This variant has not been reported in the literature in individuals affected with NPHP4-related conditions. ClinVar contains an entry for this variant (Variation ID: 220869). Advanced modeling of protein sequence and biophysical properties (such as structural, functional, and spatial information, amino acid conservation, physicochemical variation, residue mobility, and thermodynamic stability) has been performed at Invitae for this missense variant, however the output from this modeling did not meet the statistical confidence thresholds required to predict the impact of this variant on NPHP4 protein function. In summary, the available evidence is currently insufficient to determine the role of this variant in disease. Therefore, it has been classified as a Variant of Uncertain Significance.

Illumina Laboratory Services, Illumina
Classification: Uncertain significance for Nephronophthisis 4. Last evaluated: 2018-01-13. Review status: criteria provided, single submitter. Criteria: ICSL Variant Classification Criteria 13 December 2019. Collection method: clinical testing. Allele origin: germline.

Illumina Laboratory Services, Illumina
Classification: Uncertain significance for Senior-Loken syndrome 4. Last evaluated: 2018-01-13. Review status: criteria provided, single submitter. Criteria: ICSL Variant Classification Criteria 13 December 2019. Collection method: clinical testing. Allele origin: germline.